The following is an entry in ClinVar:

NM_001012339.3(DNAJC21):c.815A>C (p.Glu272Ala)

Gene: DNAJC21 (DnaJ heat shock protein family (Hsp40) member C21; plus strand). Cytogenetic location: 5p13.2.
Variant type: single nucleotide variant.
Coding change: c.815A>C on transcript NM_001012339.3 (MANE Select); coding-DNA position 815, A replaced by C.
Protein change: p.Glu272Ala; replaces glutamic acid 272 with alanine.
Molecular consequence: missense variant.
Genome position (GRCh38, 1-based): chr5:34,938,929, A>C. VCF-style: chr5-34938929-A-C. GRCh37 (hg19) VCF-style: chr5-34939034-A-C.
Other names: c.815A>C, p.Glu272Ala (NM_001348420.2, NM_194283.4); short protein forms E272A.
Identifiers: ClinVar variation 2127972 (VCV002127972.4), dbSNP rs2480606304, ClinGen allele CA359416216.
Genomic context (GRCh38, chr5:34,938,929, plus strand): 5'-AGTACAGAGAACAGAGCTGGATGACTATGGCCAATTTGGAGAAAGAGCTCCAGGAGATGG[A>C]GGCACGGTACGAGAAGGAGTTTGGAGATGGATCGGATGAAAATGAAATGGAAGAACATGA-3'
Protein context (NP_001012339.2, residues 262-282): ANLEKELQEM[Glu272Ala]ARYEKEFGDG

ClinVar aggregate classification (germline): Uncertain significance (1 of 4 stars; one submission).

Submission:

Labcorp Genetics (formerly Invitae), Labcorp
Classification: Uncertain significance. Last evaluated: 2022-04-19. Review status: criteria provided, single submitter. Criteria: Invitae Variant Classification Sherloc (09022015). Collection method: clinical testing. Allele origin: germline.
Comment: In summary, the available evidence is currently insufficient to determine the role of this variant in disease. Therefore, it has been classified as a Variant of Uncertain Significance. Algorithms developed to predict the effect of missense changes on protein structure and function are either unavailable or do not agree on the potential impact of this missense change (SIFT: "Deleterious"; PolyPhen-2: "Probably Damaging"; Align-GVGD: "Class C0"). This variant has not been reported in the literature in individuals affected with DNAJC21-related conditions. This variant is not present in population databases (gnomAD no frequency). This sequence change replaces glutamic acid, which is acidic and polar, with alanine, which is neutral and non-polar, at codon 272 of the DNAJC21 protein (p.Glu272Ala).